The following is an entry in ClinVar:

NM_145207.3(AFG2A):c.2590C>G (p.Gln864Glu)

Gene: AFG2A (AAA ATPase AFG2A; plus strand). Cytogenetic location: 4q28.1.
Variant type: single nucleotide variant.
Coding change: c.2590C>G on transcript NM_145207.3 (MANE Select); coding-DNA position 2590, C replaced by G.
Protein change: p.Gln864Glu; replaces glutamine 864 with glutamic acid.
Molecular consequence: missense variant.
Genome position (GRCh38, 1-based): chr4:123,313,972, C>G. VCF-style: chr4-123313972-C-G. GRCh37 (hg19) VCF-style: chr4-124235127-C-G.
Other names: c.2587C>G, p.Gln863Glu (NM_001345856.2); short protein forms Q863E, Q864E.
Identifiers: ClinVar variation 1345551 (VCV001345551.7), dbSNP rs1226912133, ClinGen allele CA358228836.
Genomic context (GRCh38, chr4:123,313,972, plus strand): 5'-GCTCTTCTGGCTCTGGAAGAAGACATTCAAGCCAATCTCATCATGAAAAGACATTTCACT[C>G]AGGCCTTGAGCACTGTGACACCTAGAATTCCTGAGTCATTGAGACGTTTTTATGAAGATT-3'
Protein context (NP_660208.2, residues 854-874): ANLIMKRHFT[Gln864Glu]ALSTVTPRIP

ClinVar aggregate classification (germline): Uncertain significance (1 of 4 stars; one submission).

Conditions:
Microcephaly-intellectual disability-sensorineural hearing loss-epilepsy-abnormal muscle tone syndrome (NEDHSB). Also called: NEURODEVELOPMENTAL DISORDER WITH HEARING LOSS, SEIZURES, AND BRAIN ABNORMALITIES. Identifiers: Orphanet 457351, MedGen C4225276, MONDO:0014698, OMIM 616577.

Allele frequency attached by ClinVar (database versions not stated): gnomAD exomes below 0.00001; gnomAD 0.00001.
gnomAD v4.1: 3 of 1,612,920 alleles (0.00019%); highest among the groups gnomAD compares: African/African-American, 0.0013%; no homozygotes.

Submission:

Labcorp Genetics (formerly Invitae), Labcorp
Classification: Uncertain significance for Microcephaly-intellectual disability-sensorineural hearing loss-epilepsy-abnormal muscle tone syndrome. Last evaluated: 2022-10-18. Review status: criteria provided, single submitter. Criteria: Invitae Variant Classification Sherloc (09022015). Collection method: clinical testing. Allele origin: germline.
Comment: ClinVar contains an entry for this variant (Variation ID: 1345551). This variant has not been reported in the literature in individuals affected with SPATA5-related conditions. This variant is not present in population databases (gnomAD no frequency). This sequence change replaces glutamine, which is neutral and polar, with glutamic acid, which is acidic and polar, at codon 864 of the SPATA5 protein (p.Gln864Glu). Advanced modeling of protein sequence and biophysical properties (such as structural, functional, and spatial information, amino acid conservation, physicochemical variation, residue mobility, and thermodynamic stability) performed at Invitae indicates that this missense variant is not expected to disrupt SPATA5 protein function. In summary, the available evidence is currently insufficient to determine the role of this variant in disease. Therefore, it has been classified as a Variant of Uncertain Significance.